The following is an entry in ClinVar:

NM_017882.3(CLN6):c.230A>G (p.Asn77Ser)

Gene: CLN6 (CLN6 transmembrane ER protein; minus strand). Cytogenetic location: 15q23.
Variant type: single nucleotide variant.
Coding change: c.230A>G on transcript NM_017882.3 (MANE Select); coding-DNA position 230, A replaced by G.
Protein change: p.Asn77Ser; replaces asparagine 77 with serine.
Molecular consequence: missense variant.
Genome position (GRCh38, 1-based): chr15:68,214,357, T>C on the plus strand (A>G on the coding strand, the complement: CLN6 is on the minus strand). VCF-style: chr15-68214357-T-C. GRCh37 (hg19) VCF-style: chr15-68506695-T-C.
Other names: c.326A>G, p.Asn109Ser (NM_001411068.1); short protein forms N109S, N77S.
Identifiers: ClinVar variation 3338734 (VCV003338734.1).

ClinVar aggregate classification (germline): Uncertain significance (1 of 4 stars; one submission).

gnomAD v4.1: 1 of 1,614,080 alleles (0.000062%); highest among the groups gnomAD compares: Non-Finnish European, 0.000085%; no homozygotes.

Submission:

GeneDx
Classification: Uncertain significance. Last evaluated: 2023-09-05. Review status: criteria provided, single submitter. Criteria: GeneDx Variant Classification Process June 2021. Collection method: clinical testing. Allele origin: germline. Affected: yes.
Comment: Not observed at significant frequency in large population cohorts (gnomAD); In silico analysis supports that this missense variant has a deleterious effect on protein structure/function; Has not been previously published as pathogenic or benign to our knowledge; This variant is associated with the following publications: (PMID: 21549341, 34597687)